The following is an entry in ClinVar:

ClinVar aggregate classification (germline): Uncertain significance (1 of 4 stars; one submission).

Conditions:
Leukocyte adhesion deficiency 3. Also called: Leukocyte adhesion deficiency, type III; INTEGRIN ACTIVATION DEFICIENCY DISEASE; LEUKOCYTE ADHESION DEFICIENCY 1 VARIANT. Identifiers: Orphanet 2968, Orphanet 99844, MedGen C2748536, MONDO:0013016, OMIM 612840.

Submission:

Labcorp Genetics (formerly Invitae), Labcorp
Classification: Uncertain significance for Leukocyte adhesion deficiency 3. Last evaluated: 2024-05-23. Review status: criteria provided, single submitter. Criteria: Invitae Variant Classification Sherloc (09022015). Collection method: clinical testing. Allele origin: germline.
Comment: This sequence change replaces leucine, which is neutral and non-polar, with arginine, which is basic and polar, at codon 637 of the FERMT3 protein (p.Leu637Arg). This variant is not present in population databases (gnomAD no frequency). This variant has not been reported in the literature in individuals affected with FERMT3-related conditions. Advanced modeling of protein sequence and biophysical properties (such as structural, functional, and spatial information, amino acid conservation, physicochemical variation, residue mobility, and thermodynamic stability) performed at Invitae indicates that this missense variant is not expected to disrupt FERMT3 protein function with a negative predictive value of 80%. In summary, the available evidence is currently insufficient to determine the role of this variant in disease. Therefore, it has been classified as a Variant of Uncertain Significance.

NM_031471.6(FERMT3):c.1910T>G (p.Leu637Arg)

Gene: FERMT3 (FERM domain containing kindlin 3; plus strand). Cytogenetic location: 11q13.1.
Variant type: single nucleotide variant.
Coding change: c.1910T>G on transcript NM_031471.6 (MANE Select); coding-DNA position 1910, T replaced by G.
Protein change: p.Leu637Arg; replaces leucine 637 with arginine.
Molecular consequence: missense variant.
Genome position (GRCh38, 1-based): chr11:64,223,410, T>G. VCF-style: chr11-64223410-T-G. GRCh37 (hg19) VCF-style: chr11-63990882-T-G.
Other names: c.1910T>G, p.Leu637Arg (NM_001382361.1, NM_001382448.1); c.1922T>G, p.Leu641Arg (NM_001382362.1, NM_178443.3); c.1370T>G, p.Leu457Arg (NM_001382363.1); c.1382T>G, p.Leu461Arg (NM_001382364.1); short protein forms L461R, L641R, L637R, L457R.
Identifiers: ClinVar variation 3654431 (VCV003654431.2).
Genomic context (GRCh38, chr11:64,223,410, plus strand): 5'-TCAGCTGCGTGTCTGCCAGCTGCCGAATTGTACACGAGTATATCGGGGGCTACATTTTCC[T>G]GTCGACGCGGGAGCGGGCCCGTGGGGAGGAGCTGGATGAAGACCTCTTCCTGCAGCTCAC-3'
Protein context (NP_113659.3, residues 627-647): VHEYIGGYIF[Leu637Arg]STRERARGEE